The following is an entry in ClinVar:

ClinVar aggregate classification (germline): Uncertain significance (1 of 4 stars; one submission).

Conditions:
Centromeric instability of chromosomes 1,9 and 16 and immunodeficiency (ICF1). Also called: Immunodeficiency-centromeric instability-facial anomalies; CENTROMERIC INSTABILITY, IMMUNODEFICIENCY SYNDROME; IMMUNE DEFICIENCY, VARIABLE, WITH CENTROMERIC INSTABILITY OF CHROMOSOMES 1, 9, AND 16; IMMUNODEFICIENCY SYNDROME, VARIABLE. Identifiers: Orphanet 2268, MedGen C0398788, MONDO:0000133.

gnomAD v4.1: 13 of 1,613,868 alleles (0.00081%); highest among the groups gnomAD compares: Admixed American, 0.0017%; no homozygotes.

Submission:

Labcorp Genetics (formerly Invitae), Labcorp
Classification: Uncertain significance for Centromeric instability of chromosomes 1,9 and 16 and immunodeficiency. Last evaluated: 2021-12-22. Review status: criteria provided, single submitter. Criteria: Invitae Variant Classification Sherloc (09022015). Collection method: clinical testing. Allele origin: germline.
Comment: This sequence change replaces valine, which is neutral and non-polar, with leucine, which is neutral and non-polar, at codon 138 of the DNMT3B protein (p.Val138Leu). This variant is present in population databases (no rsID available, gnomAD 0.003%). This variant has not been reported in the literature in individuals affected with DNMT3B-related conditions. Algorithms developed to predict the effect of missense changes on protein structure and function (SIFT, PolyPhen-2, Align-GVGD) all suggest that this variant is likely to be tolerated. In summary, the available evidence is currently insufficient to determine the role of this variant in disease. Therefore, it has been classified as a Variant of Uncertain Significance.

NM_006892.4(DNMT3B):c.412G>T (p.Val138Leu)

Gene: DNMT3B (DNA methyltransferase 3 beta; plus strand). Cytogenetic location: 20q11.21.
Variant type: single nucleotide variant.
Coding change: c.412G>T on transcript NM_006892.4 (MANE Select); coding-DNA position 412, G replaced by T.
Protein change: p.Val138Leu; replaces valine 138 with leucine.
Molecular consequence: missense variant. On other transcripts: intron variant (2).
Genome position (GRCh38, 1-based): chr20:32,786,607, G>T. VCF-style: chr20-32786607-G-T. GRCh37 (hg19) VCF-style: chr20-31374413-G-T.
Other names: c.412G>T, p.Val138Leu (NM_175848.2, NM_175849.2); c.448G>T, p.Val150Leu (NM_175850.3); c.307-623G>T (NM_001207055.2); c.205-623G>T (NM_001207056.2); short protein forms V138L, V150L.
Identifiers: ClinVar variation 1934607 (VCV001934607.2), dbSNP rs756280552, ClinGen allele CA408586365.